The following is an entry in ClinVar:

NM_004304.5(ALK):c.2754A>T (p.Arg918Ser)

Gene: ALK (ALK receptor tyrosine kinase; minus strand). Cytogenetic location: 2p23.2.
Variant type: single nucleotide variant.
Coding change: c.2754A>T on transcript NM_004304.5 (MANE Select); coding-DNA position 2754, A replaced by T.
Protein change: p.Arg918Ser; replaces arginine 918 with serine.
Molecular consequence: missense variant.
Genome position (GRCh38, 1-based): chr2:29,228,945, T>A on the plus strand (A>T on the coding strand, the complement: ALK is on the minus strand). VCF-style: chr2-29228945-T-A. GRCh37 (hg19) VCF-style: chr2-29451811-T-A.
Other names: short protein forms R918S.
Identifiers: ClinVar variation 660252 (VCV000660252.15), dbSNP rs770236199, ClinGen allele CA346469673.
Genomic context (GRCh38, chr2:29,228,945, plus strand): 5'-TATATATCCTCCGCCTCCTCCACCTGAGGAGCACCCCCCTCCACCCCCTCCGAAACCCCC[T>A]CTTGTCTCCCACCCCCACTTCTTCATGGCCTGGGGGCAGGAATGTCCTCCGGTGGCACCC-3'
Protein context (NP_004295.2, residues 908-928): QAMKKWGWET[Arg918Ser]GGFGGGGGGC

ClinVar aggregate classification (germline): Uncertain significance. Review status: criteria provided, multiple submitters, no conflicts (2 of 4 stars). 4 submissions from 4 submitters: Uncertain significance (4). Last evaluated 2026-01-20.

Conditions:
Neuroblastoma, susceptibility to, 3. Also called: ALK-Related Neuroblastic Tumor Susceptibility. Identifiers: Orphanet 635, MedGen C2751681, MONDO:0013083, OMIM 613014.
Hereditary cancer-predisposing syndrome. Also called: Neoplastic Syndromes, Hereditary; Hereditary neoplastic syndrome; Tumor predisposition; Hereditary Cancer Syndrome. Identifiers: Orphanet 140162, MedGen C0027672, MeSH D009386, MONDO:0015356.

Allele frequency attached by ClinVar (database versions not stated): gnomAD exomes 0.00005 and 0.00007; gnomAD 0.00044 and 0.00046.
gnomAD v4.1: 28 of 373,196 alleles (0.0075%); highest among the groups gnomAD compares: Non-Finnish European, 0.011%; no homozygotes.

Submissions (4):

Labcorp Genetics (formerly Invitae), Labcorp
Classification: Uncertain significance for Neuroblastoma, susceptibility to, 3. Last evaluated: 2026-01-20. Review status: criteria provided, single submitter. Criteria: Invitae Variant Classification Sherloc (09022015). Collection method: clinical testing. Allele origin: germline.
Comment: This sequence change replaces arginine, which is basic and polar, with serine, which is neutral and polar, at codon 918 of the ALK protein (p.Arg918Ser). This variant is present in population databases (no rsID available, gnomAD 0.007%). This variant has not been reported in the literature in individuals affected with ALK-related conditions. ClinVar contains an entry for this variant (Variation ID: 660252). An algorithm developed to predict the effect of missense changes on protein structure and function (PolyPhen-2) suggests that this variant is likely to be disruptive. In summary, the available evidence is currently insufficient to determine the role of this variant in disease. Therefore, it has been classified as a Variant of Uncertain Significance.

Ambry Genetics
Classification: Uncertain significance for Hereditary cancer-predisposing syndrome. Last evaluated: 2025-01-15. Review status: criteria provided, single submitter. Criteria: Ambry Variant Classification Scheme 2023. Collection method: clinical testing. Allele origin: germline.

Baylor Genetics
Classification: Uncertain significance for Neuroblastoma, susceptibility to, 3. Last evaluated: 2023-11-24. Review status: criteria provided, single submitter. Criteria: ACMG Guidelines, 2015. Collection method: clinical testing. Allele origin: unknown.

GeneDx
Classification: Uncertain significance. Last evaluated: 2023-11-13. Review status: criteria provided, single submitter. Criteria: GeneDx Variant Classification Process June 2021. Collection method: clinical testing. Allele origin: germline. Affected: yes.
Comment: In silico analysis supports that this missense variant does not alter protein structure/function; Has not been previously published as pathogenic or benign to our knowledge